The following is an entry in ClinVar:

ClinVar aggregate classification (germline): Likely pathogenic. Review status: criteria provided, multiple submitters, no conflicts (2 of 4 stars). 3 submissions from 3 submitters: Likely pathogenic (2). 1 of the submissions does not count toward it. Last evaluated 2026-05-13.

Conditions:
Tuberous sclerosis syndrome (TSC). Also called: Tuberous Sclerosis Complex; Tuberous sclerosis. Identifiers: Orphanet 805, MedGen C0041341, MONDO:0001734.
Tuberous sclerosis 2 (TSC2). Identifiers: Orphanet 805, MedGen C1860707, MONDO:0013199, OMIM 613254.

Submissions (3):

Women's Health and Genetics/Laboratory Corporation of America, LabCorp
Classification: Likely pathogenic for Tuberous sclerosis syndrome. Last evaluated: 2026-05-13. Review status: criteria provided, single submitter. Criteria: LabCorp Variant Classification Summary - May 2015. Collection method: clinical testing. Allele origin: germline.
Comment: Variant summary: TSC2 c.4712A>G (p.Tyr1571Cys) results in a non-conservative amino acid change in the encoded protein sequence. Algorithms developed to predict the effect of missense changes on protein structure and function all suggest that this variant is likely to be disruptive. The variant was absent in 249988 control chromosomes. c.4712A>G has been observed as de novo in an individual affected with Tuberous Sclerosis Complex (Bernkopf_2023). To our knowledge, no experimental evidence demonstrating an impact on protein function has been reported. A different missense variant affecting the same codon (c.4711T>C, p.Tyr1571His) has been classified as pathogenic by our lab, providing the evidence of clinical importance of this amino acid residue. The following publication have been ascertained in the context of this evaluation (PMID: 36792598). ClinVar contains an entry for this variant (Variation ID: 49518). Based on the evidence outlined above, the variant was classified as likely pathogenic.

Labcorp Genetics (formerly Invitae), Labcorp
Classification: Likely pathogenic for Tuberous sclerosis 2. Last evaluated: 2021-10-05. Review status: criteria provided, single submitter. Criteria: Invitae Variant Classification Sherloc (09022015). Collection method: clinical testing. Allele origin: germline.
Comment: This variant has not been reported in the literature in individuals affected with TSC2-related conditions. In summary, the currently available evidence indicates that the variant is pathogenic, but additional data are needed to prove that conclusively. Therefore, this variant has been classified as Likely Pathogenic. This variant disrupts the p.Tyr1571 amino acid residue in TSC2. Other variant(s) that disrupt this residue have been determined to be pathogenic (PMID: 11290735, 11521203, 12511557; Invitae). This suggests that this residue is clinically significant, and that variants that disrupt this residue are likely to be disease-causing. Advanced modeling of protein sequence and biophysical properties (such as structural, functional, and spatial information, amino acid conservation, physicochemical variation, residue mobility, and thermodynamic stability) performed at Invitae indicates that this missense variant is expected to disrupt TSC2 protein function. ClinVar contains an entry for this variant (Variation ID: 49518). This variant is not present in population databases (ExAC no frequency). This sequence change replaces tyrosine with cysteine at codon 1571 of the TSC2 protein (p.Tyr1571Cys). The tyrosine residue is highly conserved and there is a large physicochemical difference between tyrosine and cysteine.

Tuberous sclerosis database (TSC2)
No classification provided. Condition: TSC. Review status: no classification provided. Criteria: Tuberous Sclerosis Database Assertion Criteria 2015. Collection method: curation. Allele origin: germline. Affected: yes. Not counted in ClinVar's aggregate classification.

Literature cited by the submitters: PubMed 36792598 (cited by Women's Health and Genetics/Laboratory Corporation of America, LabCorp); PubMed 11290735 (cited by Labcorp Genetics (formerly Invitae), Labcorp); PubMed 11521203 (cited by Labcorp Genetics (formerly Invitae), Labcorp); PubMed 12511557 (cited by Labcorp Genetics (formerly Invitae), Labcorp).

NM_000548.5(TSC2):c.4712A>G (p.Tyr1571Cys)

Gene: TSC2 (TSC complex subunit 2; plus strand). Cytogenetic location: 16p13.3.
Variant type: single nucleotide variant.
Coding change: c.4712A>G on transcript NM_000548.5 (MANE Select); coding-DNA position 4712, A replaced by G.
Protein change: p.Tyr1571Cys; replaces tyrosine 1571 with cysteine.
Molecular consequence: missense variant.
Genome position (GRCh38, 1-based): chr16:2,086,242, A>G. VCF-style: chr16-2086242-A-G. GRCh37 (hg19) VCF-style: chr16-2136243-A-G.
Other names: c.4580A>G, p.Tyr1527Cys (NM_001370404.1); c.4583A>G, p.Tyr1528Cys (NM_001370405.1, NM_021055.3); c.4511A>G, p.Tyr1504Cys (NM_001077183.3); c.4643A>G, p.Tyr1548Cys (NM_001114382.3); c.4403A>G, p.Tyr1468Cys (NM_001318827.2); c.4367A>G, p.Tyr1456Cys (NM_001318829.2); c.3980A>G, p.Tyr1327Cys (NM_001318831.2); c.4544A>G, p.Tyr1515Cys (NM_001318832.2); and 1 more; short protein forms Y1571C, Y1468C, Y1456C, Y1515C, Y1527C, Y1528C, Y1504C, Y1505C.
Identifiers: ClinVar variation 49518 (VCV000049518.8), dbSNP rs45478894, ClinGen allele CA020940.